The following is an entry in ClinVar:

ClinVar aggregate classification (germline): Pathogenic (1 of 4 stars; one submission).

Conditions:
Duchenne muscular dystrophy (DMD). Also called: MUSCULAR DYSTROPHY, PSEUDOHYPERTROPHIC PROGRESSIVE, DUCHENNE TYPE; Duchenne Muscular Dystrophy (DMD). Identifiers: Orphanet 98896, MedGen C0013264, MONDO:0010679, OMIM 310200.

Submission:

Labcorp Genetics (formerly Invitae), Labcorp
Classification: Pathogenic for Duchenne muscular dystrophy. Last evaluated: 2022-09-19. Review status: criteria provided, single submitter. Criteria: Invitae Variant Classification Sherloc (09022015). Collection method: clinical testing. Allele origin: germline.
Comment: For these reasons, this variant has been classified as Pathogenic. This variant has not been reported in the literature in individuals affected with DMD-related conditions. This variant is not present in population databases (gnomAD no frequency). This sequence change creates a premature translational stop signal (p.Met424Serfs*3) in the DMD gene. It is expected to result in an absent or disrupted protein product. Loss-of-function variants in DMD are known to be pathogenic (PMID: 16770791, 25007885).

Literature cited by the submitters: PubMed 16770791; PubMed 25007885.

NM_004006.3(DMD):c.1266_1270dup (p.Met424fs)

Gene: DMD (dystrophin; minus strand). Cytogenetic location: Xp21.1.
Variant type: Duplication.
Coding change: c.1266_1270dup on transcript NM_004006.3 (MANE Select); coding-DNA positions 1266 to 1270, 5 bases duplicated (GCAGA; older notation c.1266_1270dupGCAGA).
Protein change: p.Met424fs; shifts the reading frame from methionine 424.
Molecular consequence: frameshift variant.
Genome position (GRCh38, 1-based): chrX:32,644,193-32,644,197, TCTGC duplicated on the plus strand (GCAGA on the coding strand, the reverse complement: DMD is on the minus strand); duplicating any 5 consecutive bases within chrX:32,644,193-32,644,200 gives the same sequence; the c. name uses the placement nearest the transcript's 3' end. VCF-style (leftmost placement, unchanged base first): chrX-32644192-A-ATCTGC. GRCh37 (hg19) VCF-style: chrX-32662309-A-ATCTGC.
Other names: c.1242_1246dup, p.Met416fs (NM_000109.4); c.1254_1258dup, p.Met420fs (NM_004009.3); c.897_901dup, p.Met301fs (NM_004010.3); short protein forms M301fs, M420fs, M416fs, M424fs.
Identifiers: ClinVar variation 2004358 (VCV002004358.4), dbSNP rs2519633211, ClinGen allele CA2580100734.